The following is an entry in ClinVar:

ClinVar aggregate classification (germline): Likely benign (1 of 4 stars; one submission).

Conditions:
Von Hippel-Lindau syndrome (VHLS). Also called: Von Hippel-Lindau; von Hippel–Lindau syndrome; VHL syndrome. Identifiers: Orphanet 892, MedGen C0019562, MONDO:0008667, OMIM 193300. Disease mechanism: loss of function.

Submission:

Myriad Genetics, Inc.
Classification: Likely benign for Von Hippel-Lindau syndrome. Last evaluated: 2025-06-12. Review status: criteria provided, single submitter. Criteria: Myriad Autosomal Dominant, Autosomal Recessive and X-Linked Classification Criteria (2023). Collection method: clinical testing. Allele origin: unknown.
Comment: This variant is considered likely benign. This variant is intronic and is not expected to impact mRNA splicing.

NM_000551.4(VHL):c.463+10T>G

Genes: VHL (von Hippel-Lindau tumor suppressor; plus strand), LOC107303340 (3p25 von Hippel-Lindau tumor suppressor, E3 ubiquitin protein ligase Alu-mediated recombination region; plus strand). Cytogenetic location: 3p25.3.
Variant type: single nucleotide variant.
Coding change: c.463+10T>G on transcript NM_000551.4 (MANE Select); 10 bases into the intron after coding-DNA position 463, T replaced by G.
Molecular consequence: intron variant.
Genome position (GRCh38, 1-based): chr3:10,146,646, T>G. VCF-style: chr3-10146646-T-G. GRCh37 (hg19) VCF-style: chr3-10188330-T-G.
Other names: c.*18-3141T>G (NM_001354723.2); c.341-3141T>G (NM_198156.3).
Identifiers: ClinVar variation 4071312 (VCV004071312.1).